The following is an entry in ClinVar:

NM_001365999.1(SZT2):c.2207G>A (p.Arg736Gln)

Gene: SZT2 (SZT2 subunit of KICSTOR complex; plus strand). Cytogenetic location: 1p34.2.
Variant type: single nucleotide variant.
Coding change: c.2207G>A on transcript NM_001365999.1 (MANE Select); coding-DNA position 2207, G replaced by A.
Protein change: p.Arg736Gln; replaces arginine 736 with glutamine.
Molecular consequence: missense variant.
Genome position (GRCh38, 1-based): chr1:43,423,268, G>A. VCF-style: chr1-43423268-G-A. GRCh37 (hg19) VCF-style: chr1-43888939-G-A.
Other names: c.2207G>A, p.Arg736Gln (NM_015284.4); c.2207G>A (NM_015284.3); short protein forms R736Q.
Identifiers: ClinVar variation 1355993 (VCV001355993.7), dbSNP rs778561137, ClinGen allele CA808632.
Genomic context (GRCh38, chr1:43,423,268, plus strand): 5'-GGGGCAGCTCTCCCTCCAAGTCACCCCCCGTGCTGGGGCCACAGCAGGCCCTGTCTGACC[G>A]GCCCTGCCTTGTGGTCCTGCATAAGCCACTGGACAAACTGCTCATCAGGTTGGTACAGAG-3'
Protein context (NP_001352928.1, residues 726-746): VLGPQQALSD[Arg736Gln]PCLVVLHKPL

ClinVar aggregate classification (germline): Uncertain significance. Review status: criteria provided, multiple submitters, no conflicts (2 of 4 stars). 2 submissions from 2 submitters: Uncertain significance (2). Last evaluated 2024-04-09.

Conditions:
Inborn genetic diseases. Identifiers: MedGen C0950123, MeSH D030342.

Allele frequency attached by ClinVar (database versions not stated): gnomAD exomes 0.00001; TOPMed 0.00001; ExAC 0.00002; gnomAD 0.00003.
gnomAD v4.1: 18 of 1,571,026 alleles (0.0011%); highest among the groups gnomAD compares: Middle Eastern, 0.017%; no homozygotes.

Submissions (2):

Ambry Genetics
Classification: Uncertain significance for Inborn genetic diseases. Last evaluated: 2024-04-09. Review status: criteria provided, single submitter. Criteria: Ambry Variant Classification Scheme 2023. Collection method: clinical testing. Allele origin: germline.

Labcorp Genetics (formerly Invitae), Labcorp
Classification: Uncertain significance. Last evaluated: 2023-10-03. Review status: criteria provided, single submitter. Criteria: Invitae Variant Classification Sherloc (09022015). Collection method: clinical testing. Allele origin: germline.
Comment: This sequence change replaces arginine, which is basic and polar, with glutamine, which is neutral and polar, at codon 736 of the SZT2 protein (p.Arg736Gln). This variant is present in population databases (rs778561137, gnomAD 0.008%). This variant has not been reported in the literature in individuals affected with SZT2-related conditions. ClinVar contains an entry for this variant (Variation ID: 1355993). Advanced modeling of protein sequence and biophysical properties (such as structural, functional, and spatial information, amino acid conservation, physicochemical variation, residue mobility, and thermodynamic stability) performed at Invitae indicates that this missense variant is expected to disrupt SZT2 protein function. In summary, the available evidence is currently insufficient to determine the role of this variant in disease. Therefore, it has been classified as a Variant of Uncertain Significance.